The following is an entry in ClinVar:

NM_024675.4(PALB2):c.2615T>C (p.Val872Ala)

Gene: PALB2 (partner and localizer of BRCA2; minus strand). Cytogenetic location: 16p12.2.
Variant type: single nucleotide variant.
Coding change: c.2615T>C on transcript NM_024675.4 (MANE Select); coding-DNA position 2615, T replaced by C.
Protein change: p.Val872Ala; replaces valine 872 with alanine.
Molecular consequence: missense variant.
Genome position (GRCh38, 1-based): chr16:23,626,369, A>G on the plus strand (T>C on the coding strand, the complement: PALB2 is on the minus strand). VCF-style: chr16-23626369-A-G. GRCh37 (hg19) VCF-style: chr16-23637690-A-G.
Other names: p.V872A:GTG>GCG; short protein forms V872A.
Identifiers: ClinVar variation 182755 (VCV000182755.37), dbSNP rs730881877, ClinGen allele CA299694.
Genomic context (GRCh38, chr16:23,626,369, plus strand): 5'-TCGCAAGCAGTTATGATACATGGCTCTTTACAACCGGCTCTTTCCCAAAACATGGCACTC[A>G]CATCTACGGAACAGGAACCTGAAGGATTCTGACACAATGGCAACAGTTCTGTTAAAGTGG-3'
Protein context (NP_078951.2, residues 862-882): KNPSGSCSVD[Val872Ala]SAMFWERAGC

ClinVar aggregate classification (germline): Uncertain significance. Review status: criteria provided, multiple submitters, no conflicts (2 of 4 stars). 9 submissions from 9 submitters: Uncertain significance (8). 1 of the submissions does not count toward it. Last evaluated 2025-12-08.

Conditions:
Hereditary cancer-predisposing syndrome. Also called: Tumor predisposition; Hereditary Cancer Syndrome; Hereditary neoplastic syndrome; Neoplastic Syndromes, Hereditary. Identifiers: Orphanet 140162, MedGen C0027672, MeSH D009386, MONDO:0015356.
Familial cancer of breast. Also called: hereditary breast carcinoma; Hereditary breast cancer; BREAST CANCER, FAMILIAL. Identifiers: Orphanet 227535, MedGen C0346153, MONDO:0016419, OMIM 114480. Disease mechanism: loss of function.
Malignant tumor of breast. Also called: Malignant breast neoplasm; Cancer breast. Identifiers: MedGen C0006142, MONDO:0007254. Disease mechanism: loss of function.

Allele frequency attached by ClinVar (database versions not stated): gnomAD exomes below 0.00001 and 0.00001; TOPMed below 0.00001.
gnomAD v4.1: 10 of 1,614,196 alleles (0.00062%); highest among the groups gnomAD compares: Non-Finnish European, 0.00085%; no homozygotes.

Submissions (9):

Labcorp Genetics (formerly Invitae), Labcorp
Classification: Uncertain significance for Familial cancer of breast. Last evaluated: 2025-12-08. Review status: criteria provided, single submitter. Criteria: Invitae Variant Classification Sherloc (09022015). Collection method: clinical testing. Allele origin: germline.
Comment: This sequence change replaces valine, which is neutral and non-polar, with alanine, which is neutral and non-polar, at codon 872 of the PALB2 protein (p.Val872Ala). This variant is present in population databases (rs730881877, gnomAD 0.0009%). This variant has not been reported in the literature in individuals affected with PALB2-related conditions. ClinVar contains an entry for this variant (Variation ID: 182755). Invitae Evidence Modeling of protein sequence and biophysical properties (such as structural, functional, and spatial information, amino acid conservation, physicochemical variation, residue mobility, and thermodynamic stability) has been performed for this missense variant. However, the output from this modeling did not meet the statistical confidence thresholds required to predict the impact of this variant on PALB2 protein function. In summary, the available evidence is currently insufficient to determine the role of this variant in disease. Therefore, it has been classified as a Variant of Uncertain Significance.

Ambry Genetics
Classification: Uncertain significance for Hereditary cancer-predisposing syndrome. Last evaluated: 2025-08-14. Review status: criteria provided, single submitter. Criteria: Ambry Variant Classification Scheme 2023. Collection method: clinical testing. Allele origin: germline.
Comment: The p.V872A variant (also known as c.2615T>C), located in coding exon 7 of the PALB2 gene, results from a T to C substitution at nucleotide position 2615. The valine at codon 872 is replaced by alanine, an amino acid with similar properties. This alteration has been reported in at least one subject in a study of 13087 breast cancer cases and 5488 control individuals in the UK (Decker B et al. J Med Genet, 2017 11;54:732-741). In another study, this variant was not identified in 6211 breast cancer cases but was reported in 2 of 6019 controls (Dumont M et al. Cancers (Basel), 2022 Jul;14:). This amino acid position is highly conserved in available vertebrate species. In addition, this alteration is predicted to be tolerated by in silico analysis. Based on the available evidence, the clinical significance of this variant remains unclear.

Quest Diagnostics Nichols Institute San Juan Capistrano
Classification: Uncertain significance. Last evaluated: 2024-04-13. Review status: criteria provided, single submitter. Criteria: Quest Diagnostics criteria. Collection method: clinical testing. Allele origin: unknown.
Comment: The PALB2 c.2615T>C (p.Val872Ala) variant has been reported in the published literature in an individual with breast cancer (PMID: 28779002 (2017)). The frequency of this variant in the general population, 0.000004 (1/251488 chromosomes (Genome Aggregation Database)), is uninformative in the assessment of its pathogenicity. Analysis of this variant using bioinformatics tools for the prediction of the effect of amino acid changes on protein structure and function yielded predictions that this variant is damaging. Based on the available information, we are unable to determine the clinical significance of this variant.

GeneDx
Classification: Uncertain significance. Last evaluated: 2024-03-28. Review status: criteria provided, single submitter. Criteria: GeneDx Variant Classification Process June 2021. Collection method: clinical testing. Allele origin: germline. Affected: yes.
Comment: Not observed at significant frequency in large population cohorts (gnomAD); In silico analysis supports that this missense variant has a deleterious effect on protein structure/function; Observed in individual(s) with breast cancer (PMID: 28779002); This variant is associated with the following publications: (PMID: 24485656, 19609323, 20871615, 28779002)

Baylor Genetics
Classification: Uncertain significance for Familial cancer of breast. Last evaluated: 2023-10-18. Review status: criteria provided, single submitter. Criteria: ACMG Guidelines, 2015. Collection method: clinical testing. Allele origin: unknown.

Color Diagnostics, LLC DBA Color Health
Classification: Uncertain significance for Hereditary cancer-predisposing syndrome. Last evaluated: 2022-08-16. Review status: criteria provided, single submitter. Criteria: ACMG Guidelines, 2015. Collection method: clinical testing. Allele origin: germline.
Comment: This missense variant replaces valine with alanine at codon 872 of the PALB2 protein. Computational prediction suggests that this variant may not impact protein structure and function (internally defined REVEL score threshold <= 0.5, PMID: 27666373). To our knowledge, functional studies have not been reported for this variant. This variant has been reported in one individual affected with breast cancer (PMID: 28779002) and in ClinVar (SCV001551767.1). This variant has been identified in 1/251488 chromosomes in the general population by the Genome Aggregation Database (gnomAD). The available evidence is insufficient to determine the role of this variant in disease conclusively. Therefore, this variant is classified as a Variant of Uncertain Significance.

Blueprint Genetics
Classification: Uncertain significance. Last evaluated: 2021-11-09. Review status: criteria provided, single submitter. Criteria: ACMG Guidelines, 2015. Collection method: clinical testing. Allele origin: germline.

Women's Health and Genetics/Laboratory Corporation of America, LabCorp
Classification: Uncertain significance. Last evaluated: 2021-04-25. Review status: criteria provided, single submitter. Criteria: LabCorp Variant Classification Summary - May 2015. Collection method: clinical testing. Allele origin: germline.
Comment: Variant summary: PALB2 c.2615T>C (p.Val872Ala) results in a non-conservative amino acid change located in the WD40 domain (IPR031920) of the encoded protein sequence. Four of five in-silico tools predict a damaging effect of the variant on protein function. The variant allele was found at a frequency of 4e-06 in 251488 control chromosomes. The available data on variant occurrences in the general population are insufficient to allow any conclusion about variant significance. To our knowledge, no occurrence of c.2615T>C in individuals affected with Breast Cancer and no experimental evidence demonstrating its impact on protein function have been reported. Four clinical diagnostic laboratories have submitted clinical-significance assessments for this variant to ClinVar after 2014 without evidence for independent evaluation. All laboratories classified the variant as uncertain significance. Based on the evidence outlined above, the variant was classified as uncertain significance.

Department of Pathology and Laboratory Medicine, Sinai Health System
Classification: Uncertain significance for Malignant tumor of breast. Review status: no assertion criteria provided. Collection method: clinical testing. Allele origin: unknown. Affected: yes. Observed: 1 variant allele. Study: The Canadian Open Genetics Repository (COGR). Not counted in ClinVar's aggregate classification.
Comment: The PALB2 p.Val872Ala variant was not identified in the literature nor was it identified in the Cosmic, MutDB, LOVD 3.0, or Zhejiang University databases. The variant was also identified in dbSNP (ID: rs730881877) as "With uncertain significance allele" and ClinVar (classified as uncertain significance by GeneDx, Ambry Genetics, and Invitae). The variant was identified in control databases in 1 of 246264 chromosomes at a frequency of 0.000004 (Genome Aggregation Database Feb 27, 2017). The variant was observed in the European population in 1 of 111716 chromosomes (freq: 0.000009), but not in the other populations. The p.Val872 residue is conserved in mammals but not in more distantly related organisms, and four out of five computational analyses (PolyPhen-2, SIFT, AlignGVGD, BLOSUM, MutationTaster) suggest that the variant may impact the protein; however, this information is not predictive enough to assume pathogenicity. In addition, the variant occurs outside of the splicing consensus sequence and 3 of 4 in silico or computational prediction software programs (SpliceSiteFinder, MaxEntScan, NNSPLICE, GeneSplicer) predict a greater than 10% difference in splicing. However, this information is not predictive enough to assume pathogenicity. In summary, based on the above information, the clinical significance of this variant cannot be determined with certainty at this time. This variant is classified as a variant of uncertain significance.

Literature cited by the submitters: PubMed 28779002 (cited by 3 submitters); PubMed 35884425 (cited by Ambry Genetics).